The following is an entry in ClinVar:

NM_001079843.3(CASZ1):c.2578G>A (p.Ala860Thr)

Gene: CASZ1 (castor zinc finger 1; minus strand). Cytogenetic location: 1p36.22.
Variant type: single nucleotide variant.
Coding change: c.2578G>A on transcript NM_001079843.3 (MANE Select); coding-DNA position 2578, G replaced by A.
Protein change: p.Ala860Thr; replaces alanine 860 with threonine.
Molecular consequence: missense variant.
Genome position (GRCh38, 1-based): chr1:10,653,479, C>T on the plus strand (G>A on the coding strand, the complement: CASZ1 is on the minus strand). VCF-style: chr1-10653479-C-T. GRCh37 (hg19) VCF-style: chr1-10713536-C-T.
Other names: c.2578G>A, p.Ala860Thr (NM_017766.5); short protein forms A860T.
Identifiers: ClinVar variation 3137717 (VCV003137717.3), dbSNP rs759531544, ClinGen allele CA584835.

ClinVar aggregate classification (germline): Conflicting classifications of pathogenicity. Review status: criteria provided, conflicting classifications (1 of 4 stars). 2 submissions from 2 submitters: Uncertain significance (1); Likely benign (1). Last evaluated 2024-04-04.

Allele frequency attached by ClinVar (database versions not stated): ExAC 0.00001; gnomAD 0.00001; TOPMed 0.00002.
gnomAD v4.1: 19 of 1,612,758 alleles (0.0012%); highest among the groups gnomAD compares: Admixed American, 0.0033%; no homozygotes.

Submissions (2):

Labcorp Genetics (formerly Invitae), Labcorp
Classification: Uncertain significance. Last evaluated: 2024-04-04. Review status: criteria provided, single submitter. Criteria: Invitae Variant Classification Sherloc (09022015). Collection method: clinical testing. Allele origin: germline.
Comment: This sequence change replaces alanine, which is neutral and non-polar, with threonine, which is neutral and polar, at codon 860 of the CASZ1 protein (p.Ala860Thr). This variant is present in population databases (rs759531544, gnomAD 0.0009%). This variant has not been reported in the literature in individuals affected with CASZ1-related conditions. Algorithms developed to predict the effect of missense changes on protein structure and function output the following: SIFT: "Not Available"; PolyPhen-2: "Possibly Damaging"; Align-GVGD: "Not Available". The threonine amino acid residue is found in multiple mammalian species, which suggests that this missense change does not adversely affect protein function. In summary, the available evidence is currently insufficient to determine the role of this variant in disease. Therefore, it has been classified as a Variant of Uncertain Significance.

Ambry Genetics
Classification: Likely benign. Last evaluated: 2024-03-01. Review status: criteria provided, single submitter. Criteria: Ambry Variant Classification Scheme 2023. Collection method: clinical testing. Allele origin: germline.